The following is an entry in ClinVar:

NM_001482.3(GATM):c.1106G>A (p.Arg369His)

Gene: GATM (glycine amidinotransferase; minus strand). Cytogenetic location: 15q21.1.
Variant type: single nucleotide variant.
Coding change: c.1106G>A on transcript NM_001482.3 (MANE Select); coding-DNA position 1106, G replaced by A.
Protein change: p.Arg369His; replaces arginine 369 with histidine.
Molecular consequence: missense variant.
Genome position (GRCh38, 1-based): chr15:45,363,953, C>T on the plus strand (G>A on the coding strand, the complement: GATM is on the minus strand). VCF-style: chr15-45363953-C-T. GRCh37 (hg19) VCF-style: chr15-45656151-C-T.
Other names: c.719G>A, p.Arg240His (NM_001321015.2); short protein forms R369H, R240H.
Identifiers: ClinVar variation 498635 (VCV000498635.14), dbSNP rs747557239, ClinGen allele CA7542785.

ClinVar aggregate classification (germline): Uncertain significance. Review status: criteria provided, multiple submitters, no conflicts (2 of 4 stars). 3 submissions from 3 submitters: Uncertain significance (3). Last evaluated 2025-12-01.

Conditions:
Fanconi renotubular syndrome 1. Also called: FRTS1; Toni-Debre-Fanconi syndrome; Neonatal De Toni-Debre-Fanconi syndrome; De Toni-Fanconi syndrome; LUDER-SHELDON SYNDROME. Identifiers: MedGen C4551503, MONDO:0024525, OMIM 134600.
Arginine:glycine amidinotransferase deficiency (CCDS3). Also called: AGAT deficiency; L-Arginine:Glycine Amidinotransferase Deficiency; Creatine deficiency syndrome due to AGAT deficiency; GATM deficiency; L-Arginine:Glycine Amidinotransferase (AGAT) Deficiency; Cerebral creatine deficiency syndrome 3. Identifiers: Orphanet 35704, MedGen C2675179, MONDO:0012996, OMIM 612718.

Allele frequency attached by ClinVar (database versions not stated): ExAC 0.00004; gnomAD 0.00004; gnomAD exomes 0.00004; TOPMed 0.00008.
gnomAD v4.1: 39 of 1,613,586 alleles (0.0024%); highest among the groups gnomAD compares: African/African-American, 0.004%; no homozygotes.

Submissions (3):

Labcorp Genetics (formerly Invitae), Labcorp
Classification: Uncertain significance for Arginine:glycine amidinotransferase deficiency. Last evaluated: 2025-12-01. Review status: criteria provided, single submitter. Criteria: Invitae Variant Classification Sherloc (09022015). Collection method: clinical testing. Allele origin: germline.
Comment: This sequence change replaces arginine, which is basic and polar, with histidine, which is basic and polar, at codon 369 of the GATM protein (p.Arg369His). This variant is present in population databases (rs747557239, gnomAD 0.02%). This variant has not been reported in the literature in individuals affected with GATM-related conditions. ClinVar contains an entry for this variant (Variation ID: 498635). Invitae Evidence Modeling of protein sequence and biophysical properties (such as structural, functional, and spatial information, amino acid conservation, physicochemical variation, residue mobility, and thermodynamic stability) has been performed for this missense variant. However, the output from this modeling did not meet the statistical confidence thresholds required to predict the impact of this variant on GATM protein function. In summary, the available evidence is currently insufficient to determine the role of this variant in disease. Therefore, it has been classified as a Variant of Uncertain Significance.

Fulgent Genetics
Classification: Uncertain significance for Fanconi renotubular syndrome 1; Arginine:glycine amidinotransferase deficiency. Last evaluated: 2024-05-22. Review status: criteria provided, single submitter. Criteria: ACMG Guidelines, 2015. Collection method: clinical testing. Allele origin: germline.

Eurofins Ntd Llc (ga)
Classification: Uncertain significance. Last evaluated: 2016-12-22. Review status: criteria provided, single submitter. Criteria: EGL Classification Definitions 2015. Collection method: clinical testing. Allele origin: germline. Observed: 1 variant allele, 1 heterozygote.